The following is an entry in ClinVar:

ClinVar aggregate classification (germline): Uncertain significance. Review status: criteria provided, multiple submitters, no conflicts (2 of 4 stars). 2 submissions from 2 submitters: Uncertain significance (2). Last evaluated 2021-07-23.

Conditions:
Autosomal dominant nonsyndromic hearing loss 11. Identifiers: Orphanet 90635, MedGen C1832475, MONDO:0011032, OMIM 601317.
Autosomal recessive nonsyndromic hearing loss 2. Also called: NEUROSENSORY NONSYNDROMIC RECESSIVE DEAFNESS 2; DEAFNESS, AUTOSOMAL RECESSIVE 2. Identifiers: Orphanet 90636, MedGen C1838701, MONDO:0010807, OMIM 600060.
Usher syndrome type 1 (USH1). Also called: RETINITIS PIGMENTOSA AND CONGENITAL DEAFNESS. Identifiers: Orphanet 231169, Orphanet 886, MedGen C1568247, MONDO:0010168, OMIM 276900.
Hearing impairment. Also called: Impaired Hearing. Identifiers: MedGen C1384666, MONDO:0005365, HP:0000365.

Allele frequency attached by ClinVar (database versions not stated): gnomAD exomes below 0.00001.

Submissions (2):

Fulgent Genetics
Classification: Uncertain significance for Usher syndrome type 1; Autosomal recessive nonsyndromic hearing loss 2; Autosomal dominant nonsyndromic hearing loss 11. Last evaluated: 2021-07-23. Review status: criteria provided, single submitter. Criteria: ACMG Guidelines, 2015. Collection method: clinical testing. Allele origin: unknown.

Department of Otolaryngology – Head & Neck Surgery, Cochlear Implant Center
Classification: Uncertain significance for Hearing impairment. Last evaluated: 2021-04-12. Review status: criteria provided, single submitter. Criteria: ClinGen HL ACMG Specifications v1. Collection method: clinical testing. Allele origin: germline. Affected: yes.
Comment: PM2_Moderate, PP3_Supporting

NM_000260.4(MYO7A):c.3958A>G (p.Met1320Val)

Gene: MYO7A (myosin VIIA; plus strand). Cytogenetic location: 11q13.5.
Variant type: single nucleotide variant.
Coding change: c.3958A>G on transcript NM_000260.4 (MANE Select); coding-DNA position 3958, A replaced by G.
Protein change: p.Met1320Val; replaces methionine 1320 with valine.
Molecular consequence: missense variant.
Genome position (GRCh38, 1-based): chr11:77,192,084, A>G. VCF-style: chr11-77192084-A-G. GRCh37 (hg19) VCF-style: chr11-76903129-A-G.
Other names: c.3958A>G, p.Met1320Val (NM_001127180.2); c.3925A>G, p.Met1309Val (NM_001369365.1); short protein forms M1309V, M1320V.
Identifiers: ClinVar variation 1065060 (VCV001065060.4), dbSNP rs2135575353, ClinGen allele CA381948492.